The following is an entry in ClinVar:

NM_004356.4(CD81):c.199G>A (p.Ala67Thr)

Gene: CD81 (CD81 molecule; plus strand). Cytogenetic location: 11p15.5.
Variant type: single nucleotide variant.
Coding change: c.199G>A on transcript NM_004356.4 (MANE Select); coding-DNA position 199, G replaced by A.
Protein change: p.Ala67Thr; replaces alanine 67 with threonine.
Molecular consequence: missense variant. On other transcripts: 5 prime UTR variant (1).
Genome position (GRCh38, 1-based): chr11:2,394,112, G>A. VCF-style: chr11-2394112-G-A. GRCh37 (hg19) VCF-style: chr11-2415342-G-A.
Other names: c.-15G>A (NM_001297649.2); short protein forms A67T.
Identifiers: ClinVar variation 1509068 (VCV001509068.6), dbSNP rs758070892, ClinGen allele CA379123218.

ClinVar aggregate classification (germline): Uncertain significance (1 of 4 stars; one submission).

Allele frequency attached by ClinVar (database versions not stated): gnomAD 0.00001.
gnomAD v4.1: 5 of 1,613,136 alleles (0.00031%); highest among the groups gnomAD compares: Admixed American, 0.0033%; no homozygotes.

Submission:

Labcorp Genetics (formerly Invitae), Labcorp
Classification: Uncertain significance. Last evaluated: 2021-08-17. Review status: criteria provided, single submitter. Criteria: Invitae Variant Classification Sherloc (09022015). Collection method: clinical testing. Allele origin: germline.
Comment: In summary, the available evidence is currently insufficient to determine the role of this variant in disease. Therefore, it has been classified as a Variant of Uncertain Significance. Algorithms developed to predict the effect of missense changes on protein structure and function are either unavailable or do not agree on the potential impact of this missense change (SIFT: "Deleterious"; PolyPhen-2: "Probably Damaging"; Align-GVGD: "Class C0"). This variant has not been reported in the literature in individuals affected with CD81-related conditions. This variant is not present in population databases (ExAC no frequency). This sequence change replaces alanine with threonine at codon 67 of the CD81 protein (p.Ala67Thr). The alanine residue is highly conserved and there is a small physicochemical difference between alanine and threonine.